The following is an entry in ClinVar:

NM_001122955.4(BSCL2):c.1352G>C (p.Gly451Ala)

Genes: BSCL2 (BSCL2 lipid droplet biogenesis associated, seipin; minus strand), HNRNPUL2-BSCL2 (HNRNPUL2-BSCL2 readthrough (NMD candidate); minus strand). Cytogenetic location: 11q12.3.
Variant type: single nucleotide variant.
Coding change: c.1352G>C on transcript NM_001122955.4 (MANE Select); coding-DNA position 1352, G replaced by C.
Protein change: p.Gly451Ala; replaces glycine 451 with alanine.
Molecular consequence: missense variant. On other transcripts: non-coding transcript variant (1), 3 prime UTR variant (1).
Genome position (GRCh38, 1-based): chr11:62,690,404, C>G on the plus strand (G>C on the coding strand, the complement: BSCL2 is on the minus strand). VCF-style: chr11-62690404-C-G. GRCh37 (hg19) VCF-style: chr11-62457876-C-G.
Other names: c.*154G>C (NM_001130702.2); c.1358G>C, p.Gly453Ala (NM_001386027.1); c.1352G>C, p.Gly451Ala (NM_001386028.1); c.1160G>C, p.Gly387Ala (NM_032667.6); short protein forms G387A, G451A, G453A.
Identifiers: ClinVar variation 999392 (VCV000999392.8), dbSNP rs779952369, ClinGen allele CA223627834.

ClinVar aggregate classification (germline): Uncertain significance (1 of 4 stars; one submission).

Conditions:
Charcot-Marie-Tooth disease type 2. Also called: Charcot-Marie-Tooth type 2. Identifiers: Orphanet 64746, MedGen C0270914, MONDO:0018993.

Allele frequency attached by ClinVar (database versions not stated): gnomAD exomes below 0.00001.
gnomAD v4.1: 15 of 1,614,100 alleles (0.00093%); highest among the groups gnomAD compares: Non-Finnish European, 0.0013%; no homozygotes.

Submission:

Labcorp Genetics (formerly Invitae), Labcorp
Classification: Uncertain significance for Charcot-Marie-Tooth disease type 2. Last evaluated: 2025-02-10. Review status: criteria provided, single submitter. Criteria: Invitae Variant Classification Sherloc (09022015). Collection method: clinical testing. Allele origin: germline.
Comment: This sequence change replaces glycine, which is neutral and non-polar, with alanine, which is neutral and non-polar, at codon 387 of the BSCL2 protein (p.Gly387Ala). This variant is present in population databases (rs779952369, gnomAD 0.0009%). This variant has not been reported in the literature in individuals affected with BSCL2-related conditions. ClinVar contains an entry for this variant (Variation ID: 999392). An algorithm developed to predict the effect of missense changes on protein structure and function outputs the following: PolyPhen-2: "Benign". The alanine amino acid residue is found in multiple mammalian species, which suggests that this missense change does not adversely affect protein function. In summary, the available evidence is currently insufficient to determine the role of this variant in disease. Therefore, it has been classified as a Variant of Uncertain Significance.